The following is an entry in ClinVar:

NM_016006.6(ABHD5):c.*1834C>G

Gene: ABHD5 (abhydrolase domain containing 5, lysophosphatidic acid acyltransferase; plus strand). Cytogenetic location: 3p21.33.
Variant type: single nucleotide variant.
Coding change: c.*1834C>G on transcript NM_016006.6 (MANE Select); 1834 bases downstream of the stop codon, C replaced by G.
Molecular consequence: 3 prime UTR variant. On other transcripts: non-coding transcript variant (1), intron variant (1).
Genome position (GRCh38, 1-based): chr3:43,720,366, C>G. VCF-style: chr3-43720366-C-G. GRCh37 (hg19) VCF-style: chr3-43761858-C-G.
Other names: c.*1834C>G (NM_001365649.1); c.*1860C>G (NM_001365650.1); c.29+1805C>G (NM_001355186.2).
Identifiers: ClinVar variation 345250 (VCV000345250.5), dbSNP rs12488350, ClinGen allele CA10618818.
Genomic context (GRCh38, chr3:43,720,366, plus strand): 5'-ATACAGGAAGGTTTTTGCACAGGAAATTTGGTCCCAGCCCTTGGAAGGAAGAAGTTCCTT[C>G]GTTTACTTAGTGAATGGAGTTTCTGGCCGCAGATGTGCCAAGTGATTGAAGAAAGATATA-3'

ClinVar aggregate classification (germline): Benign (1 of 4 stars; one submission).

Conditions:
Triglyceride storage disease with ichthyosis (CDS). Also called: Dorfman-Chanarin disease; ICHTHYOSIFORM ERYTHRODERMA WITH LEUKOCYTE VACUOLATION; TRIGLYCERIDE STORAGE DISEASE WITH IMPAIRED LONG-CHAIN FATTY ACID OXIDATION; Chanarin-Dorfman Syndrome. Identifiers: Orphanet 98907, MedGen C0268238, MONDO:0010155, OMIM 275630.

Allele frequency attached by ClinVar (database versions not stated): gnomAD 0.07391; TOPMed 0.09211; 1000 Genomes Project 30x 0.13944; 1000 Genomes Project 0.14038.

Submission:

Illumina Laboratory Services, Illumina
Classification: Benign for Triglyceride storage disease with ichthyosis. Last evaluated: 2018-01-13. Review status: criteria provided, single submitter. Criteria: ICSL Variant Classification Criteria 13 December 2019. Collection method: clinical testing. Allele origin: germline.
Comment: This variant was observed in the ICSL laboratory as part of a predisposition screen in an ostensibly healthy population. It had not been previously curated by ICSL or reported in the Human Gene Mutation Database (HGMD: prior to June 1st, 2018), and was therefore a candidate for classification through an automated scoring system. Utilizing variant allele frequency, disease prevalence and penetrance estimates, and inheritance mode, an automated score was calculated to assess if this variant is too frequent to cause the disease. Based on the score and internal cut-off values, a variant classified as benign is not then subjected to further curation. The score for this variant resulted in a classification of benign for this disease.